The following is an entry in ClinVar:

ClinVar aggregate classification (germline): Conflicting classifications of pathogenicity. Review status: criteria provided, conflicting classifications (1 of 4 stars). 9 submissions from 9 submitters: Uncertain significance (5); Likely benign (2). 2 of the submissions do not count toward it. Last evaluated 2026-01-09.

Conditions:
TTN-related disorder. Also called: TTN-related disorders; TTN-related condition; TTN-related disease.

Allele frequency attached by ClinVar (database versions not stated): gnomAD exomes 0.00006; ExAC 0.00004; gnomAD 0.00004 and 0.00005; TOPMed 0.00003; ESP Exome Variant Server 0.00008.
gnomAD v4.1: 80 of 1,613,424 alleles (0.005%); highest among the groups gnomAD compares: South Asian, 0.0066%; 1 homozygote.

Submissions (9):

PreventionGenetics, part of Exact Sciences
Classification: Uncertain significance for TTN-related condition. Last evaluated: 2026-01-09. Review status: criteria provided, single submitter. Criteria: ACMG Guidelines, 2015. Collection method: clinical testing. Allele origin: germline.
Comment: The TTN c.80905G>A variant is predicted to result in the amino acid substitution p.Val26969Ile. This variant has been reported in an individual with dilated cardiomyopathy (Table S3, Mazzarotto et al. 2020. PubMed ID: 31983221). This variant is reported in 0.0098% of alleles in individuals of South Asian descent in gnomAD, including 1 homozygous individual. Although we suspect that this variant may be benign, at this time, the clinical significance of this variant is uncertain due to the absence of conclusive functional and genetic evidence.

CeGaT Center for Human Genetics Tuebingen
Classification: Uncertain significance. Last evaluated: 2026-01-01. Review status: criteria provided, single submitter. Criteria: CeGaT Center For Human Genetics Tuebingen Variant Classification Criteria Version 2. Collection method: clinical testing. Allele origin: germline. Affected: yes. Observed: 1 variant allele.
Comment: TTN: PM2, BP4

ARUP Laboratories, Molecular Genetics and Genomics, ARUP Laboratories
Classification: Uncertain significance. Last evaluated: 2025-05-29. Review status: criteria provided, single submitter. Criteria: ARUP Molecular Germline Variant Investigation Process 2024. Collection method: clinical testing. Allele origin: germline.
Comment: The TTN : c.80905G>A; p.Val26969Ile variant (rs377667066, ClinVar Variation ID: 191886) is reported in the literature in an individual affected with dilated cardiomyopathy, although without supporting evidence of causality (Mazzarotto 2020). This variant is found in the general population with an overall allele frequency of 0.006% (18/279,526 alleles, including one homozygotes) in the Genome Aggregation Database (v2.1.1). Computational analyses predict that this variant is neutral (REVEL: 0.126). However, given the lack of clinical and functional data, the significance of this variant is uncertain at this time. References: Mazzarotto F et al. Reevaluating the Genetic Contribution of Monogenic Dilated Cardiomyopathy. Circulation. 2020 Feb 4;141(5):387-398. PMID: 31983221

Molecular Diagnostic Laboratory for Inherited Cardiovascular Disease, Montreal Heart Institute
Classification: Likely benign. Last evaluated: 2025-04-09. Review status: criteria provided, single submitter. Criteria: ACMG Guidelines, 2015. Collection method: clinical testing. Allele origin: germline. Affected: no.

Revvity Omics, Revvity
Classification: Uncertain significance. Last evaluated: 2023-06-13. Review status: criteria provided, single submitter. Criteria: ACMG Guidelines, 2015. Collection method: clinical testing. Allele origin: germline.

GeneDx
Classification: Likely benign. Last evaluated: 2020-12-03. Review status: criteria provided, single submitter. Criteria: GeneDx Variant Classification Process June 2021. Collection method: clinical testing. Allele origin: germline. Affected: yes.
Comment: This variant is associated with the following publications: (PMID: 31983221)

Biesecker Lab/Clinical Genomics Section, National Institutes of Health
Classification: Uncertain significance. Last evaluated: 2013-06-24. Review status: criteria provided, single submitter. Criteria: Ng et al. (Circ Cardiovasc Genet. 2013). Collection method: research. Allele origin: unknown. Observed: 1 variant allele. Study: ClinSeq.
Comment: The study set was not selected for affection status in relation to any cancer. Pathogenicity categories were based on literature curation. See Pubmed ID:23861362 for details.

Medical sequencing

Clinical Genetics, Academic Medical Center
Classification: Uncertain significance. Review status: no assertion criteria provided. Collection method: clinical testing. Allele origin: germline. Affected: yes. Study: VKGL Data-share Consensus. Not counted in ClinVar's aggregate classification.

Genome Diagnostics Laboratory, Amsterdam University Medical Center
Classification: Uncertain significance. Review status: no assertion criteria provided. Collection method: clinical testing. Allele origin: germline. Affected: yes. Study: VKGL Data-share Consensus. Not counted in ClinVar's aggregate classification.

NM_001267550.2(TTN):c.80905G>A (p.Val26969Ile)

Genes: TTN (titin; minus strand), TTN-AS1 (TTN antisense RNA 1; plus strand). Cytogenetic location: 2q31.2.
Variant type: single nucleotide variant.
Coding change: c.80905G>A on transcript NM_001267550.2 (MANE Select); coding-DNA position 80905, G replaced by A.
Protein change: p.Val26969Ile; replaces valine 26969 with isoleucine.
Molecular consequence: missense variant.
Genome position (GRCh38, 1-based): chr2:178,565,227, C>T on the plus strand (G>A on the coding strand, the complement: TTN is on the minus strand). VCF-style: chr2-178565227-C-T. GRCh37 (hg19) VCF-style: chr2-179429954-C-T.
Other names: p.V24401I:GTT>ATT; c.75982G>A, p.Val25328Ile (NM_001256850.1); c.53710G>A, p.Val17904Ile (NM_003319.4); c.73201G>A, p.Val24401Ile (NM_133378.4); c.54085G>A, p.Val18029Ile (NM_133432.3); c.54286G>A, p.Val18096Ile (NM_133437.4); short protein forms V24401I, V26969I, V25328I, V17904I, V18029I, V18096I.
Identifiers: ClinVar variation 191886 (VCV000191886.16), dbSNP rs377667066, ClinGen allele CA302438.